The following is an entry in ClinVar:

NM_000059.4(BRCA2):c.9994T>G (p.Ser3332Ala)

Gene: BRCA2 (BRCA2 DNA repair associated; plus strand). Cytogenetic location: 13q13.1.
Variant type: single nucleotide variant.
Coding change: c.9994T>G on transcript NM_000059.4 (MANE Select); coding-DNA position 9994, T replaced by G.
Protein change: p.Ser3332Ala; replaces serine 3332 with alanine.
Molecular consequence: missense variant.
Genome position (GRCh38, 1-based): chr13:32,398,507, T>G. VCF-style: chr13-32398507-T-G. GRCh37 (hg19) VCF-style: chr13-32972644-T-G.
Other names: c.9898T>G, p.Ser3300Ala (NM_001406719.1); c.9943T>G, p.Ser3315Ala (NM_001406720.1); c.5062T>G, p.Ser1688Ala (NM_001406721.1); c.3577T>G, p.Ser1193Ala (NM_001406722.1); short protein forms S3332A, S3315A, S1688A, S3300A, S1193A.
Identifiers: ClinVar variation 1768831 (VCV001768831.3), dbSNP rs2137665609, ClinGen allele CA387767628.

ClinVar aggregate classification (germline): Uncertain significance (1 of 4 stars; one submission).

Conditions:
Hereditary cancer-predisposing syndrome. Also called: Hereditary Cancer Syndrome; Hereditary neoplastic syndrome; Neoplastic Syndromes, Hereditary; Tumor predisposition. Identifiers: Orphanet 140162, MedGen C0027672, MeSH D009386, MONDO:0015356.

Submission:

Ambry Genetics
Classification: Uncertain significance for Hereditary cancer-predisposing syndrome. Last evaluated: 2024-12-25. Review status: criteria provided, single submitter. Criteria: Ambry Variant Classification Scheme 2023. Collection method: clinical testing. Allele origin: germline.
Comment: The p.S3332A variant (also known as c.9994T>G), located in coding exon 26 of the BRCA2 gene, results from a T to G substitution at nucleotide position 9994. The serine at codon 3332 is replaced by alanine, an amino acid with similar properties. This amino acid position is not well conserved in available vertebrate species. In addition, this alteration is predicted to be tolerated by in silico analysis. Since supporting evidence is limited at this time, the clinical significance of this alteration remains unclear.